The following is an entry in ClinVar:

NM_022124.6(CDH23):c.8863C>T (p.Gln2955Ter)

Gene: CDH23 (cadherin related 23; plus strand). Cytogenetic location: 10q22.1.
Variant type: single nucleotide variant.
Coding change: c.8863C>T on transcript NM_022124.6 (MANE Select); coding-DNA position 8863, C replaced by T.
Protein change: p.Gln2955Ter; replaces glutamine 2955 with a stop codon.
Molecular consequence: nonsense.
Genome position (GRCh38, 1-based): chr10:71,809,960, C>T. VCF-style: chr10-71809960-C-T. GRCh37 (hg19) VCF-style: chr10-73569717-C-T.
Other names: c.2143C>T, p.Gln715Ter (NM_001171933.1, NM_001171934.1); short protein forms Q715*, Q2955*.
Identifiers: ClinVar variation 2954630 (VCV002954630.3), dbSNP rs2494444704, ClinGen allele CA377133599.

ClinVar aggregate classification (germline): Pathogenic (1 of 4 stars; one submission).

Allele frequency attached by ClinVar (database versions not stated): gnomAD exomes below 0.00001.
gnomAD v4.1: 1 of 1,612,348 alleles (0.000062%); highest among the groups gnomAD compares: Non-Finnish European, 0.000085%; no homozygotes.

Submission:

Labcorp Genetics (formerly Invitae), Labcorp
Classification: Pathogenic. Last evaluated: 2023-08-18. Review status: criteria provided, single submitter. Criteria: Invitae Variant Classification Sherloc (09022015). Collection method: clinical testing. Allele origin: germline.
Comment: For these reasons, this variant has been classified as Pathogenic. This variant has not been reported in the literature in individuals affected with CDH23-related conditions. This variant is not present in population databases (gnomAD no frequency). This sequence change creates a premature translational stop signal (p.Gln2955*) in the CDH23 gene. It is expected to result in an absent or disrupted protein product. Loss-of-function variants in CDH23 are known to be pathogenic (PMID: 11138009, 21940737).

Literature cited by the submitters: PubMed 11138009; PubMed 21940737.